The following is an entry in ClinVar:

NM_001605.3(AARS1):c.502C>T (p.Pro168Ser)

Gene: AARS1 (alanyl-tRNA synthetase 1; minus strand). Cytogenetic location: 16q22.1.
Variant type: single nucleotide variant.
Coding change: c.502C>T on transcript NM_001605.3 (MANE Select); coding-DNA position 502, C replaced by T.
Protein change: p.Pro168Ser; replaces proline 168 with serine.
Molecular consequence: missense variant.
Genome position (GRCh38, 1-based): chr16:70,271,950, G>A on the plus strand (C>T on the coding strand, the complement: AARS1 is on the minus strand). VCF-style: chr16-70271950-G-A. GRCh37 (hg19) VCF-style: chr16-70305853-G-A.
Other names: short protein forms P168S.
Identifiers: ClinVar variation 1979251 (VCV001979251.6), dbSNP rs2507020978, ClinGen allele CA396567046.

ClinVar aggregate classification (germline): Uncertain significance. Review status: criteria provided, multiple submitters, no conflicts (2 of 4 stars). 2 submissions from 2 submitters: Uncertain significance (2). Last evaluated 2023-06-14.

Conditions:
Charcot-Marie-Tooth disease type 2. Also called: Charcot-Marie-Tooth type 2. Identifiers: Orphanet 64746, MedGen C0270914, MONDO:0018993.

Allele frequency attached by ClinVar (database versions not stated): gnomAD exomes below 0.00001.
gnomAD v4.1: 2 of 1,613,718 alleles (0.00012%); highest among the groups gnomAD compares: Non-Finnish European, 0.00017%; no homozygotes.

Submissions (2):

Revvity Omics, Revvity
Classification: Uncertain significance. Last evaluated: 2023-06-14. Review status: criteria provided, single submitter. Criteria: ACMG Guidelines, 2015. Collection method: clinical testing. Allele origin: germline.

Labcorp Genetics (formerly Invitae), Labcorp
Classification: Uncertain significance for Charcot-Marie-Tooth disease type 2. Last evaluated: 2022-07-18. Review status: criteria provided, single submitter. Criteria: Invitae Variant Classification Sherloc (09022015). Collection method: clinical testing. Allele origin: germline.
Comment: In summary, the available evidence is currently insufficient to determine the role of this variant in disease. Therefore, it has been classified as a Variant of Uncertain Significance. Algorithms developed to predict the effect of missense changes on protein structure and function are either unavailable or do not agree on the potential impact of this missense change (SIFT: "Tolerated"; PolyPhen-2: "Probably Damaging"; Align-GVGD: "Class C0"). This variant has not been reported in the literature in individuals affected with AARS-related conditions. This variant is not present in population databases (gnomAD no frequency). This sequence change replaces proline, which is neutral and non-polar, with serine, which is neutral and polar, at codon 168 of the AARS protein (p.Pro168Ser).